The following is an entry in ClinVar:

NM_020884.7(MYH7B):c.-92G>C

Gene: MYH7B (myosin heavy chain 7B; plus strand). Cytogenetic location: 20q11.22.
Variant type: single nucleotide variant.
Coding change: c.-92G>C on transcript NM_020884.7 (MANE Select); 92 bases upstream of the start codon, G replaced by C.
Molecular consequence: 5 prime UTR variant.
Genome position (GRCh38, 1-based): chr20:34,977,661, G>C. VCF-style: chr20-34977661-G-C. GRCh37 (hg19) VCF-style: chr20-33565464-G-C.
Identifiers: ClinVar variation 4712689 (VCV004712689.1).

ClinVar aggregate classification (germline): Uncertain significance (1 of 4 stars; one submission).

gnomAD v4.1: 1 of 1,525,912 alleles (0.000066%); highest among the groups gnomAD compares: Non-Finnish European, 0.000088%; no homozygotes.

Submission:

Labcorp Genetics (formerly Invitae), Labcorp
Classification: Uncertain significance. Last evaluated: 2025-05-28. Review status: criteria provided, single submitter. Criteria: Invitae Variant Classification Sherloc (09022015). Collection method: clinical testing. Allele origin: germline.
Comment: This sequence change replaces cysteine, which is neutral and slightly polar, with serine, which is neutral and polar, at codon 12 of the MYH7B protein (p.Cys12Ser). This variant is not present in population databases (gnomAD no frequency). This variant has not been reported in the literature in individuals affected with MYH7B-related conditions. An algorithm developed to predict the effect of missense changes on protein structure and function outputs the following: PolyPhen-2: "Benign". The serine amino acid residue is found in multiple mammalian species, which suggests that this missense change does not adversely affect protein function. In summary, the available evidence is currently insufficient to determine the role of this variant in disease. Therefore, it has been classified as a Variant of Uncertain Significance.